The following is an entry in ClinVar:

ClinVar aggregate classification (germline): Benign (1 of 4 stars; one submission).

Conditions:
Platelet-type bleeding disorder 9 (BDPLT9). Also called: GLYCOPROTEIN Ia DEFICIENCY; GP Ia DEFICIENCY; COLLAGEN PLATELET RECEPTOR DEFICIENCY. Identifiers: Orphanet 73271, Orphanet 98886, MedGen C3280114, MONDO:0013622, OMIM 614200.

Allele frequency attached by ClinVar (database versions not stated): 1000 Genomes Project 0.00300; TOPMed 0.00653; gnomAD 0.00698 and 0.00708.

Submission:

Illumina Laboratory Services, Illumina
Classification: Benign for Platelet-type bleeding disorder 9. Last evaluated: 2018-01-13. Review status: criteria provided, single submitter. Criteria: ICSL Variant Classification Criteria 13 December 2019. Collection method: clinical testing. Allele origin: germline.
Comment: This variant was observed in the ICSL laboratory as part of a predisposition screen in an ostensibly healthy population. It had not been previously curated by ICSL or reported in the Human Gene Mutation Database (HGMD: prior to June 1st, 2018), and was therefore a candidate for classification through an automated scoring system. Utilizing variant allele frequency, disease prevalence and penetrance estimates, and inheritance mode, an automated score was calculated to assess if this variant is too frequent to cause the disease. Based on the score and internal cut-off values, a variant classified as benign is not then subjected to further curation. The score for this variant resulted in a classification of benign for this disease.

NM_002203.4(ITGA2):c.*4042G>A

Gene: ITGA2 (integrin subunit alpha 2; plus strand). Cytogenetic location: 5q11.2.
Variant type: single nucleotide variant.
Coding change: c.*4042G>A on transcript NM_002203.4 (MANE Select); 4042 bases downstream of the stop codon, G replaced by A.
Molecular consequence: 3 prime UTR variant. On other transcripts: non-coding transcript variant (5).
Genome position (GRCh38, 1-based): chr5:53,094,641, G>A. VCF-style: chr5-53094641-G-A. GRCh37 (hg19) VCF-style: chr5-52390471-G-A.
Identifiers: ClinVar variation 353866 (VCV000353866.5), dbSNP rs181976027, ClinGen allele CA10620581.